The following is an entry in ClinVar:

NM_030653.4(DDX11):c.814G>A (p.Val272Met)

Gene: DDX11 (DEAD/H-box helicase 11; plus strand). Cytogenetic location: 12p11.21.
Variant type: single nucleotide variant.
Coding change: c.814G>A on transcript NM_030653.4 (MANE Select); coding-DNA position 814, G replaced by A.
Protein change: p.Val272Met; replaces valine 272 with methionine.
Molecular consequence: missense variant. On other transcripts: non-coding transcript variant (4), intron variant (1), 5 prime UTR variant (2).
Genome position (GRCh38, 1-based): chr12:31,089,424, G>A. VCF-style: chr12-31089424-G-A. GRCh37 (hg19) VCF-style: chr12-31242358-G-A.
Other names: c.-87+273G>A (NM_001413706.1); c.814G>A, p.Val272Met (NM_001257144.2, NM_001413692.1, NM_001413693.1 and 5 more transcripts); c.736G>A, p.Val246Met (NM_001257145.2, NM_001413697.1, NM_001413698.1 and 1 more transcripts); c.727G>A, p.Val243Met (NM_001413700.1); c.286G>A, p.Val96Met (NM_001413702.1, NM_001413703.1); c.-48G>A (NM_001413704.1, NM_001413705.1); short protein forms V243M, V246M, V272M, V96M.
Identifiers: ClinVar variation 4535714 (VCV004535714.1).

ClinVar aggregate classification (germline): Uncertain significance (1 of 4 stars; one submission).

Submission:

Women's Health and Genetics/Laboratory Corporation of America, LabCorp
Classification: Uncertain significance. Last evaluated: 2025-09-05. Review status: criteria provided, single submitter. Criteria: LabCorp Variant Classification Summary - May 2015. Collection method: clinical testing. Allele origin: germline.
Comment: Variant summary: DDX11 c.814G>A (p.Val272Met) results in a conservative amino acid change in the encoded protein sequence. Algorithms developed to predict the effect of missense changes on protein structure and function are either unavailable or do not agree on the potential impact of this missense change. The frequency data for this variant in gnomAD is considered unreliable, as metrics indicate poor data quality at this position. To our knowledge, no occurrence of c.814G>A in individuals affected with DDX11-related conditions and no experimental evidence demonstrating its impact on protein function have been reported. No submitters have cited clinical-significance assessments for this variant to ClinVar. Based on the evidence outlined above, the variant was classified as uncertain significance.

Literature cited by the submitters: PubMed 34535012; PubMed 35273594; PubMed 31767937; PubMed 26395002.